The following is an entry in ClinVar:

ClinVar aggregate classification (germline): Uncertain significance (1 of 4 stars; one submission).

Conditions:
Hereditary cancer-predisposing syndrome. Also called: Neoplastic Syndromes, Hereditary; Tumor predisposition; Hereditary Cancer Syndrome; Hereditary neoplastic syndrome. Identifiers: Orphanet 140162, MedGen C0027672, MeSH D009386, MONDO:0015356.

Submission:

Ambry Genetics
Classification: Uncertain significance for Hereditary cancer-predisposing syndrome. Last evaluated: 2024-10-24. Review status: criteria provided, single submitter. Criteria: Ambry Variant Classification Scheme 2023. Collection method: clinical testing. Allele origin: germline.
Comment: The p.D45G variant (also known as c.134A>G), located in coding exon 2 of the POLE gene, results from an A to G substitution at nucleotide position 134. The aspartic acid at codon 45 is replaced by glycine, an amino acid with similar properties. This amino acid position is conserved. In addition, the in silico prediction for this alteration is inconclusive. Based on the available evidence, the clinical significance of this variant remains unclear.

NM_006231.4(POLE):c.134A>G (p.Asp45Gly)

Gene: POLE (DNA polymerase epsilon, catalytic subunit; minus strand). Cytogenetic location: 12q24.33.
Variant type: single nucleotide variant.
Coding change: c.134A>G on transcript NM_006231.4 (MANE Select); coding-DNA position 134, A replaced by G.
Protein change: p.Asp45Gly; replaces aspartic acid 45 with glycine.
Molecular consequence: missense variant.
Genome position (GRCh38, 1-based): chr12:132,681,208, T>C on the plus strand (A>G on the coding strand, the complement: POLE is on the minus strand). VCF-style: chr12-132681208-T-C. GRCh37 (hg19) VCF-style: chr12-133257794-T-C.
Other names: short protein forms D45G.
Identifiers: ClinVar variation 3422209 (VCV003422209.1).